The following is an entry in ClinVar:

ClinVar aggregate classification (germline): Pathogenic (1 of 4 stars; one submission).

Conditions:
3M syndrome 1. Also called: 3-M Syndrome, CUL7-Related. Identifiers: Orphanet 2616, MedGen C2678312, MONDO:0010117, OMIM 273750.

Submission:

3billion
Classification: Pathogenic for 3M syndrome 1. Last evaluated: 2022-09-01. Review status: criteria provided, single submitter. Criteria: ACMG Guidelines, 2015. Collection method: clinical testing. Allele origin: germline. Affected: yes. Observed: 1 homozygote.
Comment: The variant is not observed in the gnomAD v2.1.1 dataset. Frameshift variant is predicted to result in a loss or disruption of normal protein function through nonsense-mediated decay (NMD) or protein truncation. Multiple pathogenic variants are reported downstream of the variant. The variant has been reported to be associated with CUL7-related disorder (3billion dataset). Therefore, this variant is classified as Pathogenic according to the recommendation of ACMG/AMP guideline.

NM_014780.5(CUL7):c.2150_2151insA (p.Asn719fs)

Gene: CUL7 (cullin 7; minus strand). Cytogenetic location: 6p21.1.
Variant type: Insertion.
Coding change: c.2150_2151insA on transcript NM_014780.5 (MANE Select); coding-DNA positions 2150 to 2151, A inserted.
Protein change: p.Asn719fs; shifts the reading frame from asparagine 719.
Molecular consequence: frameshift variant.
Genome position: GRCh38 VCF-style: chr6-43048166-G-GT. GRCh37 (hg19) VCF-style: chr6-43015904-G-GT.
Other names: c.2246_2247insA, p.Asn751fs (NM_001168370.2, NM_001374872.1); c.2150_2151insA, p.Asn719fs (NM_001374873.1, NM_001374874.1); short protein forms N719fs, N751fs.
Identifiers: ClinVar variation 1705498 (VCV001705498.1), dbSNP rs2532691564, ClinGen allele CA2580074605.
Genomic context (GRCh38, chr6:43,048,166, plus strand): 5'-TATCCTCTCCCCCAGCCTCTCCCCAGAGCAGGGCAGGGGTACCTCTCGATCAGTGTTTGG[G>GT]GACCGCAGGCAGGCCATGCAGGCATCCACGGCCTCGTGCCAGGGGAGCAGCAGTGCCTCG-3'